The following is an entry in ClinVar:

ClinVar aggregate classification (germline): Pathogenic (1 of 4 stars; one submission).

Conditions:
Ehlers-Danlos syndrome, dermatosparaxis type. Also called: EDS VIIC; Dermatosparaxis; Ehlers-Danlos syndrome, type VII, autosomal recessive. Identifiers: Orphanet 1901, MedGen C2700425, MONDO:0009161, OMIM 225410.

Submission:

Myriad Genetics, Inc.
Classification: Pathogenic for Ehlers-Danlos syndrome, dermatosparaxis type. Last evaluated: 2024-05-14. Review status: criteria provided, single submitter. Criteria: Myriad Autosomal Dominant, Autosomal Recessive and X-Linked Classification Criteria (2023). Collection method: clinical testing. Allele origin: unknown.
Comment: NM_014244.4(ADAMTS2):c.68_70del3ins5(L23Qfs*143) is expected to be pathogenic in the context of Ehlers-Danlos syndrome, ADAMTS2-related. This variant is predicted to lead to an abnormal or absent protein product due to the creation of a premature termination codon in ADAMTS2, a gene where loss-of-function variants are known to be pathogenic. Please note: this variant was assessed in the context of healthy population screening.

NM_014244.5(ADAMTS2):c.68_70delinsAGCAG (p.Leu23fs)

Gene: ADAMTS2 (ADAM metallopeptidase with thrombospondin type 1 motif 2; minus strand). Cytogenetic location: 5q35.3.
Variant type: Indel.
Coding change: c.68_70delinsAGCAG on transcript NM_014244.5 (MANE Select); coding-DNA positions 68 to 70, TGC replaced by AGCAG.
Protein change: p.Leu23fs; shifts the reading frame from leucine 23.
Molecular consequence: frameshift variant.
Genome position (GRCh38, 1-based): chr5:179,345,259-179,345,261, GCA replaced by CTGCT on the plus strand (TGC replaced by AGCAG on the coding strand, the reverse complement: ADAMTS2 is on the minus strand). VCF-style: chr5-179345259-GCA-CTGCT. GRCh37 (hg19) VCF-style: chr5-178772260-GCA-CTGCT.
Other names: c.68_70delinsAGCAG, p.Leu23fs (NM_021599.4); short protein forms L23fs.
Identifiers: ClinVar variation 5010344 (VCV005010344.1).